The following is an entry in ClinVar:

ClinVar aggregate classification (germline): Uncertain significance (1 of 4 stars; one submission).

Conditions:
Autosomal recessive limb-girdle muscular dystrophy type 2A (LGMDR1). Also called: MUSCULAR DYSTROPHY, PELVOFEMORAL; Limb-girdle muscular dystrophy, type 2A; Calpainopathy; LEYDEN-MOEBIUS MUSCULAR DYSTROPHY; Muscular dystrophy, limb-girdle, type 2A, Amish. Identifiers: Orphanet 267, MedGen C1869123, MONDO:0009675, OMIM 253600. Disease mechanism: loss of function.

gnomAD v4.1: 3 of 1,614,112 alleles (0.00019%); highest among the groups gnomAD compares: Admixed American, 0.005%; 1 homozygote.

Submission:

Labcorp Genetics (formerly Invitae), Labcorp
Classification: Uncertain significance for Autosomal recessive limb-girdle muscular dystrophy type 2A. Last evaluated: 2025-03-14. Review status: criteria provided, single submitter. Criteria: Invitae Variant Classification Sherloc (09022015). Collection method: clinical testing. Allele origin: germline.
Comment: This sequence change replaces asparagine, which is neutral and polar, with serine, which is neutral and polar, at codon 186 of the CAPN3 protein (p.Asn186Ser). This variant is present in population databases (rs756847946, gnomAD 0.009%), including at least one homozygous and/or hemizygous individual. This variant has not been reported in the literature in individuals affected with CAPN3-related conditions. Invitae Evidence Modeling of protein sequence and biophysical properties (such as structural, functional, and spatial information, amino acid conservation, physicochemical variation, residue mobility, and thermodynamic stability) indicates that this missense variant is not expected to disrupt CAPN3 protein function with a negative predictive value of 80%. In summary, the available evidence is currently insufficient to determine the role of this variant in disease. Therefore, it has been classified as a Variant of Uncertain Significance.

NM_000070.3(CAPN3):c.557A>G (p.Asn186Ser)

Gene: CAPN3 (calpain 3; plus strand). Cytogenetic location: 15q15.1.
Variant type: single nucleotide variant.
Coding change: c.557A>G on transcript NM_000070.3 (MANE Select); coding-DNA position 557, A replaced by G.
Protein change: p.Asn186Ser; replaces asparagine 186 with serine.
Molecular consequence: missense variant.
Genome position (GRCh38, 1-based): chr15:42,387,811, A>G. VCF-style: chr15-42387811-A-G. GRCh37 (hg19) VCF-style: chr15-42680009-A-G.
Other names: c.557A>G, p.Asn186Ser (NM_024344.2, NM_173087.2); short protein forms N186S.
Identifiers: ClinVar variation 4708297 (VCV004708297.1).